The following is an entry in ClinVar:

NM_022436.3(ABCG5):c.223T>G (p.Tyr75Asp)

Gene: ABCG5 (ATP binding cassette subfamily G member 5; minus strand). Cytogenetic location: 2p21.
Variant type: single nucleotide variant.
Coding change: c.223T>G on transcript NM_022436.3 (MANE Select); coding-DNA position 223, T replaced by G.
Protein change: p.Tyr75Asp; replaces tyrosine 75 with aspartic acid.
Molecular consequence: missense variant.
Genome position (GRCh38, 1-based): chr2:43,837,876, A>C on the plus strand (T>G on the coding strand, the complement: ABCG5 is on the minus strand). VCF-style: chr2-43837876-A-C. GRCh37 (hg19) VCF-style: chr2-44065015-A-C.
Other names: short protein forms Y75D.
Identifiers: ClinVar variation 3415749 (VCV003415749.1).
Genomic context (GRCh38, chr2:43,837,876, plus strand): 5'-CCTCCTTCCCAAGCTTACCTGAGCTTCCTAGGATGCACATGATCTGCCCGCTCTCCACGT[A>C]CAAGGAGACATCTTTGAGGATCTGCCTGGTCCACTGCTGCCGGCAAGATGTGATGTCCCA-3'
Protein context (NP_071881.1, residues 65-85): TRQILKDVSL[Tyr75Asp]VESGQIMCIL

ClinVar aggregate classification (germline): Uncertain significance (1 of 4 stars; one submission).

Conditions:
Cardiovascular phenotype. Identifiers: MedGen CN230736.

gnomAD v4.1: 6 of 1,614,110 alleles (0.00037%); highest among the groups gnomAD compares: Non-Finnish European, 0.00051%; no homozygotes.

Submission:

Ambry Genetics
Classification: Uncertain significance for Cardiovascular phenotype. Last evaluated: 2024-08-19. Review status: criteria provided, single submitter. Criteria: Ambry Variant Classification Scheme 2023. Collection method: clinical testing. Allele origin: germline.
Comment: The p.Y75D variant (also known as c.223T>G), located in coding exon 2 of the ABCG5 gene, results from a T to G substitution at nucleotide position 223. The tyrosine at codon 75 is replaced by aspartic acid, an amino acid with highly dissimilar properties. This amino acid position is conserved. In addition, the in silico prediction for this alteration is inconclusive. Based on the available evidence, the clinical significance of this variant remains unclear.